The following is an entry in ClinVar:

ClinVar aggregate classification (germline): Uncertain significance. Review status: criteria provided, multiple submitters, no conflicts (2 of 4 stars). 2 submissions from 2 submitters: Uncertain significance (2). Last evaluated 2022-05-24.

Conditions:
Fanconi anemia complementation group P. Also called: SLX4-Related Fanconi Anemia. Identifiers: Orphanet 84, MedGen C3469542, MONDO:0013499, OMIM 613951.
Fanconi anemia (FA). Also called: Fanconi's anemia. Identifiers: Orphanet 84, MedGen C0015625, MeSH D005199, MONDO:0019391.

Allele frequency attached by ClinVar (database versions not stated): TOPMed below 0.00001; gnomAD 0.00001; gnomAD exomes 0.00004; ExAC 0.00006; 1000 Genomes Project 0.00020; 1000 Genomes Project 30x 0.00031.

Submissions (2):

Labcorp Genetics (formerly Invitae), Labcorp
Classification: Uncertain significance for Fanconi anemia. Last evaluated: 2022-05-24. Review status: criteria provided, single submitter. Criteria: Invitae Variant Classification Sherloc (09022015). Collection method: clinical testing. Allele origin: germline.
Comment: In summary, the available evidence is currently insufficient to determine the role of this variant in disease. Therefore, it has been classified as a Variant of Uncertain Significance. Algorithms developed to predict the effect of missense changes on protein structure and function output the following: SIFT: "Deleterious"; PolyPhen-2: "Possibly Damaging"; Align-GVGD: "Class C0". The tryptophan amino acid residue is found in multiple mammalian species, which suggests that this missense change does not adversely affect protein function. This variant has not been reported in the literature in individuals affected with SLX4-related conditions. This variant is present in population databases (rs569861974, gnomAD 0.03%). This sequence change replaces leucine, which is neutral and non-polar, with tryptophan, which is neutral and slightly polar, at codon 1714 of the SLX4 protein (p.Leu1714Trp).

Fulgent Genetics
Classification: Uncertain significance for Fanconi anemia complementation group P. Last evaluated: 2021-08-09. Review status: criteria provided, single submitter. Criteria: ACMG Guidelines, 2015. Collection method: clinical testing. Allele origin: unknown.

NM_032444.4(SLX4):c.5141T>G (p.Leu1714Trp)

Gene: SLX4 (SLX4 structure-specific endonuclease subunit; minus strand). Cytogenetic location: 16p13.3.
Variant type: single nucleotide variant.
Coding change: c.5141T>G on transcript NM_032444.4 (MANE Select); coding-DNA position 5141, T replaced by G.
Protein change: p.Leu1714Trp; replaces leucine 1714 with tryptophan.
Molecular consequence: missense variant.
Genome position (GRCh38, 1-based): chr16:3,583,109, A>C on the plus strand (T>G on the coding strand, the complement: SLX4 is on the minus strand). VCF-style: chr16-3583109-A-C. GRCh37 (hg19) VCF-style: chr16-3633110-A-C.
Other names: short protein forms L1714W.
Identifiers: ClinVar variation 1401141 (VCV001401141.10), dbSNP rs569861974, ClinGen allele CA7865423.